The following is an entry in ClinVar:

ClinVar aggregate classification (germline): Pathogenic/Likely pathogenic. Review status: criteria provided, multiple submitters, no conflicts (2 of 4 stars). 2 submissions from 2 submitters: Pathogenic (1); Likely pathogenic (1). Last evaluated 2025-11-13.

Conditions:
Aland island eye disease (AIED). Also called: Forsius Eriksson type ocular albinism. Identifiers: Orphanet 178333, MedGen C0268505, MONDO:0010371, OMIM 300600.
Congenital stationary night blindness 2A (CSNB2A). Also called: Night blindness, congenital stationary (incomplete), 2A, X-linked; CACNA1F-Related X-Linked Congenital Stationary Night Blindness; CSNB, INCOMPLETE, X-LINKED; NIGHT BLINDNESS, CONGENITAL STATIONARY, TYPE 2. Identifiers: Orphanet 215, MedGen C1848172, MONDO:0010241, OMIM 300071.
X-linked cone-rod dystrophy 3 (CORDX3). Identifiers: Orphanet 1872, MedGen C1845407, MONDO:0010335, OMIM 300476.

Submissions (2):

Labcorp Genetics (formerly Invitae), Labcorp
Classification: Pathogenic. Last evaluated: 2025-11-13. Review status: criteria provided, single submitter. Criteria: Invitae Variant Classification Sherloc (09022015). Collection method: clinical testing. Allele origin: germline.
Comment: This sequence change creates a premature translational stop signal (p.Ala491Leufs*9) in the CACNA1F gene. It is expected to result in an absent or disrupted protein product. Loss-of-function variants in CACNA1F are known to be pathogenic (PMID: 9662399, 11281458, 17525176, 22194652, 24124559, 26992781). This variant is not present in population databases (gnomAD no frequency). This variant has not been reported in the literature in individuals affected with CACNA1F-related conditions. For these reasons, this variant has been classified as Pathogenic.

Juno Genomics, Hangzhou Juno Genomics, Inc
Classification: Likely pathogenic for Aland island eye disease; X-linked cone-rod dystrophy 3; Congenital stationary night blindness 2A. Review status: criteria provided, single submitter. Criteria: ACMG Guidelines, 2015. Collection method: clinical testing. Allele origin: germline. Affected: yes.
Comment: Absent from controls (or at extremely low frequency if recessive) in Genome Aggregation Database, Exome Sequencing Project, 1000 Genomes Project, or Exome Aggregation Consortium.;Null variant in a gene where loss of function (LOF) is a known mechanism of disease.

Literature cited by the submitters: PubMed 9662399 (cited by Labcorp Genetics (formerly Invitae), Labcorp); PubMed 11281458 (cited by Labcorp Genetics (formerly Invitae), Labcorp); PubMed 17525176 (cited by Labcorp Genetics (formerly Invitae), Labcorp); PubMed 22194652 (cited by Labcorp Genetics (formerly Invitae), Labcorp); PubMed 24124559 (cited by Labcorp Genetics (formerly Invitae), Labcorp); PubMed 26992781 (cited by Labcorp Genetics (formerly Invitae), Labcorp).

NM_001256789.3(CACNA1F):c.1438del (p.Ala480fs)

Gene: CACNA1F (calcium voltage-gated channel subunit alpha1 F; minus strand). Cytogenetic location: Xp11.23.
Variant type: Deletion.
Coding change: c.1438del on transcript NM_001256789.3 (MANE Select); coding-DNA position 1438, one base deleted (G; older notation c.1438delG).
Protein change: p.Ala480fs; shifts the reading frame from alanine 480.
Molecular consequence: frameshift variant.
Genome position (GRCh38, 1-based): chrX:49,226,434, C deleted on the plus strand (G on the coding strand, the reverse complement: CACNA1F is on the minus strand); the first of 5 consecutive C bases (chrX:49,226,434-49,226,438); deleting any one gives the same sequence. VCF-style (leftmost placement, unchanged base first): chrX-49226433-GC-G. GRCh37 (hg19) VCF-style: chrX-49082895-GC-G.
Other names: c.1276del, p.Ala426fs (NM_001256790.3); c.1471del, p.Ala491fs (NM_005183.4); short protein forms A426fs, A480fs, A491fs.
Identifiers: ClinVar variation 4721480 (VCV004721480.2).